The following is an entry in ClinVar:

NM_001844.5(COL2A1):c.2023G>C (p.Gly675Arg)

Gene: COL2A1 (collagen type II alpha 1 chain; minus strand). Cytogenetic location: 12q13.11.
Variant type: single nucleotide variant.
Coding change: c.2023G>C on transcript NM_001844.5 (MANE Select); coding-DNA position 2023, G replaced by C.
Protein change: p.Gly675Arg; replaces glycine 675 with arginine.
Molecular consequence: missense variant.
Genome position (GRCh38, 1-based): chr12:47,983,411, C>G on the plus strand (G>C on the coding strand, the complement: COL2A1 is on the minus strand). VCF-style: chr12-47983411-C-G. GRCh37 (hg19) VCF-style: chr12-48377194-C-G.
Other names: c.1816G>C, p.Gly606Arg (NM_033150.3); short protein forms G606R, G675R.
Identifiers: ClinVar variation 1500134 (VCV001500134.7), dbSNP rs1423422339, ClinGen allele CA384547962.

ClinVar aggregate classification (germline): Likely pathogenic. Review status: criteria provided, multiple submitters, no conflicts (2 of 4 stars). 2 submissions from 2 submitters: Likely pathogenic (2). Last evaluated 2025-11-20.

Conditions:
COL2A1-related disorder. Also called: COL2A1-related condition; COL2A1-related disorders.

Submissions (2):

3billion
Classification: Likely pathogenic for COL2A1-related disorder. Last evaluated: 2025-11-20. Review status: criteria provided, single submitter. Criteria: ACMG Guidelines, 2015. Collection method: clinical testing. Allele origin: germline. Affected: yes.
Comment: The variant is not observed in the gnomAD v4.1.0 dataset. Predicted Consequence/Location: The variant is located in a mutational hot spot and/or well-established functional domain in which established pathogenic variants have been reported (PMID: 26626311). In silico tool predictions suggest damaging effect of the variant on gene or gene product [REVEL: 0.98 (>=0.6, sensitivity 0.68 and specificity 0.92); 3Cnet: 0.99 (> 0.75, sensitivity 0.96 and precision 0.92)]. The same nucleotide change resulting in the same amino acid change has been previously reported to be associated with COL2A1-related disorder (ClinVar ID: VCV001500134 /PMID: 38702915). A different missense change at the same codon (p.Gly675Asp) has been reported as pathogenic/likely pathogenic with strong evidence (ClinVar ID: VCV000627589 /PMID: 26985960). Therefore, this variant is classified as Likely pathogenic according to the recommendation of ACMG/AMP guideline.

Labcorp Genetics (formerly Invitae), Labcorp
Classification: Likely pathogenic. Last evaluated: 2021-11-04. Review status: criteria provided, single submitter. Criteria: Invitae Variant Classification Sherloc (09022015). Collection method: clinical testing. Allele origin: germline.
Comment: Advanced modeling of protein sequence and biophysical properties (such as structural, functional, and spatial information, amino acid conservation, physicochemical variation, residue mobility, and thermodynamic stability) performed at Invitae indicates that this missense variant is expected to disrupt COL2A1 protein function. This variant disrupts the triple helix domain of COL2A1. Glycine residues within the Gly-Xaa-Yaa repeats of the triple helix domain are required for the structure and stability of fibrillar collagens (PMID: 7695699, 8218237, 19344236). In COL2A1, variants affecting these glycine residues are significantly enriched in individuals with disease (PMID: 9016532, 17078022) compared to the general population (ExAC). This variant disrupts the p.Gly675 amino acid residue in COL2A1. Other variant(s) that disrupt this residue have been observed in individuals with COL2A1-related conditions (PMID: 26985960), which suggests that this may be a clinically significant amino acid residue. In summary, the currently available evidence indicates that the variant is pathogenic, but additional data are needed to prove that conclusively. Therefore, this variant has been classified as Likely Pathogenic. This sequence change replaces glycine, which is neutral and non-polar, with arginine, which is basic and polar, at codon 675 of the COL2A1 protein (p.Gly675Arg). This variant is not present in population databases (gnomAD no frequency). This missense change has been observed in individual(s) with clinical features of spondyloepimetaphyseal dysplasia (Invitae).

Literature cited by the submitters: PubMed 26985960 (cited by 3billion and Labcorp Genetics (formerly Invitae), Labcorp); PubMed 38702915 (cited by 3billion); PubMed 7695699 (cited by Labcorp Genetics (formerly Invitae), Labcorp); PubMed 8218237 (cited by Labcorp Genetics (formerly Invitae), Labcorp); PubMed 19344236 (cited by Labcorp Genetics (formerly Invitae), Labcorp); PubMed 9016532 (cited by Labcorp Genetics (formerly Invitae), Labcorp); PubMed 17078022 (cited by Labcorp Genetics (formerly Invitae), Labcorp).